The following is an entry in ClinVar:

ClinVar aggregate classification (germline): Uncertain significance (1 of 4 stars; one submission).

gnomAD v4.1: 6 of 1,613,862 alleles (0.00037%); highest among the groups gnomAD compares: Admixed American, 0.0067%; no homozygotes.

Submission:

GeneDx
Classification: Uncertain significance. Last evaluated: 2025-05-23. Review status: criteria provided, single submitter. Criteria: GeneDx Variant Classification Process June 2021. Collection method: clinical testing. Allele origin: germline.
Comment: Not observed at significant frequency in large population cohorts (gnomAD); In silico analysis supports that this missense variant has a deleterious effect on protein structure/function; Has not been previously published as pathogenic or benign to our knowledge

NM_001080414.4(CCDC88C):c.221G>A (p.Arg74His)

Gene: CCDC88C (coiled-coil and HOOK domain protein 88C; minus strand). Cytogenetic location: 14q32.12.
Variant type: single nucleotide variant.
Coding change: c.221G>A on transcript NM_001080414.4 (MANE Select); coding-DNA position 221, G replaced by A.
Protein change: p.Arg74His; replaces arginine 74 with histidine.
Molecular consequence: missense variant. On other transcripts: non-coding transcript variant (2).
Genome position (GRCh38, 1-based): chr14:91,408,708, C>T on the plus strand (G>A on the coding strand, the complement: CCDC88C is on the minus strand). VCF-style: chr14-91408708-C-T. GRCh37 (hg19) VCF-style: chr14-91875052-C-T.
Other names: short protein forms R74H.
Identifiers: ClinVar variation 3777634 (VCV003777634.2).